The following is an entry in ClinVar:

NM_004006.3(DMD):c.5326-485T>A

Gene: DMD (dystrophin; minus strand). Cytogenetic location: Xp21.1.
Variant type: single nucleotide variant.
Coding change: c.5326-485T>A on transcript NM_004006.3 (MANE Select); 485 bases into the intron before coding-DNA position 5326, T replaced by A.
Molecular consequence: intron variant.
Genome position (GRCh38, 1-based): chrX:32,349,013, A>T on the plus strand (T>A on the coding strand, the complement: DMD is on the minus strand). VCF-style: chrX-32349013-A-T. GRCh37 (hg19) VCF-style: chrX-32367130-A-T.
Other names: c.5302-485T>A (NM_000109.4); c.1303-485T>A (NM_004011.4); c.1294-485T>A (NM_004012.4); c.5314-485T>A (NM_004009.3); c.4957-485T>A (NM_004010.3).
Identifiers: ClinVar variation 681318 (VCV000681318.1), dbSNP rs151244580, ClinGen allele CA327985445.

ClinVar aggregate classification (germline): Benign (1 of 4 stars; one submission).

Allele frequency attached by ClinVar (database versions not stated): gnomAD 0.01776 and 0.01885; TOPMed 0.02030; 1000 Genomes Project 0.02305; 1000 Genomes Project 30x 0.02393.
gnomAD v4.1: 1,957 of 111,663 alleles (1.8%); highest among the groups gnomAD compares: African/African-American, 6%; 46 homozygotes.

Submission:

GeneDx
Classification: Benign. Last evaluated: 2018-06-14. Review status: criteria provided, single submitter. Criteria: GeneDx Variant Classification (06012015). Collection method: clinical testing. Allele origin: germline. Affected: yes.
Comment: This variant is considered likely benign or benign based on one or more of the following criteria: it is a conservative change, it occurs at a poorly conserved position in the protein, it is predicted to be benign by multiple in silico algorithms, and/or has population frequency not consistent with disease.